The following is an entry in ClinVar:

ClinVar aggregate classification (germline): Pathogenic/Likely pathogenic. Review status: criteria provided, multiple submitters, no conflicts (2 of 4 stars). 2 submissions from 2 submitters: Pathogenic (1); Likely pathogenic (1). Last evaluated 2024-06-17.

Conditions:
Epidermolysis bullosa simplex. Also called: Epidermolysis bullosa simplex, Weber-Cockayne type (subtype); Epidermolysis bullosa simplex, Dowling-Meara type (subtype); Epidermolysis bullosa simplex with mottled pigmentation (subtype). Identifiers: Orphanet 304, MedGen C0079298, MONDO:0017610.

Submissions (2):

Labcorp Genetics (formerly Invitae), Labcorp
Classification: Likely pathogenic. Last evaluated: 2024-06-17. Review status: criteria provided, single submitter. Criteria: Invitae Variant Classification Sherloc (09022015). Collection method: clinical testing. Allele origin: germline.
Comment: This sequence change replaces glutamic acid, which is acidic and polar, with glutamine, which is neutral and polar, at codon 466 of the KRT5 protein (p.Glu466Gln). This variant is not present in population databases (gnomAD no frequency). This missense change has been observed in individual(s) with autosomal dominant epidermolysis bullosa simplex (PMID: 31001817; Invitae). It has also been observed to segregate with disease in related individuals. ClinVar contains an entry for this variant (Variation ID: 1047991). Advanced modeling of protein sequence and biophysical properties (such as structural, functional, and spatial information, amino acid conservation, physicochemical variation, residue mobility, and thermodynamic stability) has been performed at Invitae for this missense variant, however the output from this modeling did not meet the statistical confidence thresholds required to predict the impact of this variant on KRT5 protein function. This variant disrupts the p.Glu466 amino acid residue in KRT5. Other variant(s) that disrupt this residue have been determined to be pathogenic (PMID: 17855059, 29932457). This suggests that this residue is clinically significant, and that variants that disrupt this residue are likely to be disease-causing. In summary, the currently available evidence indicates that the variant is pathogenic, but additional data are needed to prove that conclusively. Therefore, this variant has been classified as Likely Pathogenic.

Biomedical Innovation Departament, CIEMAT
Classification: Pathogenic for Simplex epidermolysis bullosa. Last evaluated: 2006-02-07. Review status: criteria provided, single submitter. Criteria: ACMG Guidelines, 2015. Collection method: research. Allele origin: germline. Affected: yes. Observed: 1 variant allele.

Literature cited by the submitters: PubMed 31001817 (cited by Labcorp Genetics (formerly Invitae), Labcorp); PubMed 17855059 (cited by Labcorp Genetics (formerly Invitae), Labcorp); PubMed 29932457 (cited by Labcorp Genetics (formerly Invitae), Labcorp); PubMed 7686424 (cited by Biomedical Innovation Departament, CIEMAT).

NM_000424.4(KRT5):c.1396G>C (p.Glu466Gln)

Genes: KRT5 (keratin 5; minus strand), LOC126861525 (BRD4-independent group 4 enhancer GRCh37_chr12:52909857-52911056; plus strand). Cytogenetic location: 12q13.13.
Variant type: single nucleotide variant.
Coding change: c.1396G>C on transcript NM_000424.4 (MANE Select); coding-DNA position 1396, G replaced by C.
Protein change: p.Glu466Gln; replaces glutamic acid 466 with glutamine.
Molecular consequence: missense variant.
Genome position (GRCh38, 1-based): chr12:52,516,680, C>G on the plus strand (G>C on the coding strand, the complement: KRT5 is on the minus strand). VCF-style: chr12-52516680-C-G. GRCh37 (hg19) VCF-style: chr12-52910464-C-G.
Other names: short protein forms E466Q.
Identifiers: ClinVar variation 1047991 (VCV001047991.3), dbSNP rs1938615785, ClinGen allele CA384923582.